The following is an entry in ClinVar:

NM_001378615.1(CC2D2A):c.2614C>T (p.Gln872Ter)

Genes: CC2D2A (coiled-coil and C2 domain containing 2A; plus strand), FBXL5 (F-box and leucine rich repeat protein 5; minus strand). Cytogenetic location: 4p15.32.
Variant type: single nucleotide variant.
Coding change: c.2614C>T on transcript NM_001378615.1 (MANE Select); coding-DNA position 2614, C replaced by T.
Protein change: p.Gln872Ter; replaces glutamine 872 with a stop codon.
Molecular consequence: nonsense.
Genome position (GRCh38, 1-based): chr4:15,555,199, C>T. VCF-style: chr4-15555199-C-T. GRCh37 (hg19) VCF-style: chr4-15556822-C-T.
Other names: c.2614C>T, p.Gln872Ter (NM_001080522.2); c.2467C>T, p.Gln823Ter (NM_001378617.1); short protein forms Q823*, Q872*.
Identifiers: ClinVar variation 5015502 (VCV005015502.1).
Genomic context (GRCh38, chr4:15,555,199, plus strand): 5'-GCCAAGTGGGCAGCAGAGTCCAAGCTCGACCCAAATGACCCCAACAATGCCCCTTTGATG[C>T]AGCTTATCTCGGTATGTAGCAGGAGGCACACATGCCATTTCTTGACTTGGCCTTTTACAC-3'

ClinVar aggregate classification (germline): Pathogenic (1 of 4 stars; one submission).

Conditions:
Joubert syndrome and related disorders. Identifiers: Orphanet 140874, MedGen C5679612, MONDO:0015369.

gnomAD v4.1: 1 of 1,613,342 alleles (0.000062%); highest among the groups gnomAD compares: Non-Finnish European, 0.000085%; no homozygotes.

Submission:

Myriad Genetics, Inc.
Classification: Pathogenic for Joubert syndrome and related disorders. Last evaluated: 2026-02-02. Review status: criteria provided, single submitter. Criteria: Myriad Autosomal Dominant, Autosomal Recessive and X-Linked Classification Criteria (2023). Collection method: clinical testing. Allele origin: unknown.
Comment: NM_001080522.2(CC2D2A):c.2614C>T(Q872*) is expected to be pathogenic in the context of CC2D2A-related disorders. This variant is predicted to lead to an abnormal or absent protein product due to the creation of a premature termination codon in CC2D2A, a gene where loss-of-function variants are known to be pathogenic. Please note: this variant was assessed in the context of healthy population screening.